The following is an entry in ClinVar:

NM_024757.5(EHMT1):c.2383-2017C>G

Gene: EHMT1 (euchromatic histone lysine methyltransferase 1; plus strand). Cytogenetic location: 9q34.3.
Variant type: single nucleotide variant.
Coding change: c.2383-2017C>G on transcript NM_024757.5 (MANE Select); 2017 bases into the intron before coding-DNA position 2383, C replaced by G.
Molecular consequence: intron variant.
Genome position (GRCh38, 1-based): chr9:137,788,831, C>G. VCF-style: chr9-137788831-C-G. GRCh37 (hg19) VCF-style: chr9-140683283-C-G.
Other names: c.2362-2017C>G (NM_001354263.2); c.2290-2017C>G (NM_001354259.2).
Identifiers: ClinVar variation 4813512 (VCV004813512.1).

ClinVar aggregate classification (germline): Uncertain significance (1 of 4 stars; one submission).

Conditions:
Kleefstra syndrome 1 (KLEFS1). Identifiers: Orphanet 261494, MedGen C0795833, MONDO:0027407, OMIM 610253.

gnomAD v4.1: 1 of 152,360 alleles (0.00066%); highest among the groups gnomAD compares: Non-Finnish European, 0.0015%; no homozygotes.

Submission:

Mendelics
Classification: Uncertain significance for Kleefstra syndrome 1. Last evaluated: 2026-03-05. Review status: criteria provided, single submitter. Criteria: ACMG Guidelines, 2015. Collection method: clinical testing. Allele origin: unknown.
Comment: The available evidence is insufficient to conclusively determine the role of this variant. Therefore, it is classified as a Variant of Uncertain Significance.